The following is an entry in ClinVar:

NM_012469.4(PRPF6):c.1907A>C (p.Gln636Pro)

Gene: PRPF6 (pre-mRNA processing factor 6; plus strand). Cytogenetic location: 20q13.33.
Variant type: single nucleotide variant.
Coding change: c.1907A>C on transcript NM_012469.4 (MANE Select); coding-DNA position 1907, A replaced by C.
Protein change: p.Gln636Pro; replaces glutamine 636 with proline.
Molecular consequence: missense variant.
Genome position (GRCh38, 1-based): chr20:64,024,692, A>C. VCF-style: chr20-64024692-A-C. GRCh37 (hg19) VCF-style: chr20-62656045-A-C.
Other names: short protein forms Q636P.
Identifiers: ClinVar variation 3675715 (VCV003675715.2).

ClinVar aggregate classification (germline): Uncertain significance (1 of 4 stars; one submission).

Submission:

Labcorp Genetics (formerly Invitae), Labcorp
Classification: Uncertain significance. Last evaluated: 2024-08-17. Review status: criteria provided, single submitter. Criteria: Invitae Variant Classification Sherloc (09022015). Collection method: clinical testing. Allele origin: germline.
Comment: This sequence change replaces glutamine, which is neutral and polar, with proline, which is neutral and non-polar, at codon 636 of the PRPF6 protein (p.Gln636Pro). This variant is not present in population databases (gnomAD no frequency). This variant has not been reported in the literature in individuals affected with PRPF6-related conditions. An algorithm developed to predict the effect of missense changes on protein structure and function (PolyPhen-2) suggests that this variant is likely to be disruptive. Algorithms developed to predict the effect of sequence changes on RNA splicing suggest that this variant may disrupt the consensus splice site. In summary, the available evidence is currently insufficient to determine the role of this variant in disease. Therefore, it has been classified as a Variant of Uncertain Significance.